The following is an entry in ClinVar:

ClinVar aggregate classification (germline): Pathogenic/Likely pathogenic. Review status: criteria provided, multiple submitters, no conflicts (2 of 4 stars). 3 submissions from 3 submitters: Pathogenic (2); Likely pathogenic (1). Last evaluated 2026-03-11.

Conditions:
Marfan syndrome (MFS). Also called: FBN1-Related Marfan Syndrome; Marfan syndrome, classic; MARFAN SYNDROME, TYPE I; Marfan syndrome type 1; Marfan's syndrome. Identifiers: Orphanet 284963, Orphanet 558, MedGen C0024796, MONDO:0007947, OMIM 154700.
Familial thoracic aortic aneurysm and aortic dissection (TAAD). Also called: Thoracic aortic aneurysms and dissections. Identifiers: Orphanet 91387, MedGen C4707243, MONDO:0019625.

Submissions (3):

Victorian Clinical Genetics Services, Murdoch Childrens Research Institute
Classification: Pathogenic for Marfan syndrome. Last evaluated: 2026-03-11. Review status: criteria provided, single submitter. Criteria: ACMG Guidelines, 2015. Collection method: clinical testing. Allele origin: germline. Affected: yes.
Comment: This variant is classified as Pathogenic. Evidence in support of pathogenic classification: Canonical splice site variant without proven consequence on splicing (no functional evidence available); Variant is absent from gnomAD (v2, v3 and v4); This variant has moderate previous evidence of pathogenicity in unrelated individuals. Other canonical splice variants comparable to the one identified in this case have moderate previous evidence for pathogenicity. c.1837+1G>A and c.1837+2 T>C have been classified as likely pathogenic or pathogenic by clinical diagnostic laboratories (ClinVar); Abnormal splicing is predicted by in silico tool and affected nucleotide is highly conserved. Additional information: This variant is heterozygous; This gene is predominantly associated with autosomal dominant disease. There are rare reports of autosomal recessive forms of Marfan syndrome (PMID: 27274304; 31950671) - No published evidence of segregation with disease has been identified for this variant; No published functional evidence has been identified for this variant; Dominant negative and loss of function are known mechanisms of disease in this gene and are associated with FBN1-related disease. Variants predicted to result in nonsense mediated decay cause loss of function effects, and are more commonly associated with severe Marfan syndrome (MIM#154700). Missense variants with both dominant negative and loss of function effects on protein function, are associated with Marfan syndrome and ectopia lentis (MIM#129600) (OMIM, PMID: 29357934). The exact genotype-phenotype correlation for this gene is still unclear, and is compounded by variable expressivity (PMID: 20301510); Variants in this gene are known to have variable expressivity. The genotype-phenotype correlations for this gene are unclear, with single variants reported in patients with a range of phenotypes (PMID: 20301510, OMIM).

Labcorp Genetics (formerly Invitae), Labcorp
Classification: Pathogenic for Marfan syndrome; Familial thoracic aortic aneurysm and aortic dissection. Last evaluated: 2023-05-19. Review status: criteria provided, single submitter. Criteria: Invitae Variant Classification Sherloc (09022015). Collection method: clinical testing. Allele origin: germline.
Comment: This sequence change affects a donor splice site in intron 15 of the FBN1 gene. It is expected to disrupt RNA splicing. Variants that disrupt the donor or acceptor splice site typically lead to a loss of protein function (PMID: 16199547), and loss-of-function variants in FBN1 are known to be pathogenic (PMID: 17657824, 19293843). This variant is not present in population databases (gnomAD no frequency). Disruption of this splice site has been observed in individuals with clinical features of Marfan syndrome (PMID: 15241795, 19293843; Invitae). ClinVar contains an entry for this variant (Variation ID: 42292). Algorithms developed to predict the effect of sequence changes on RNA splicing suggest that this variant may disrupt the consensus splice site. For these reasons, this variant has been classified as Pathogenic.

Laboratory for Molecular Medicine, Mass General Brigham Personalized Medicine
Classification: Likely pathogenic for Marfan syndrome. Last evaluated: 2013-01-29. Review status: criteria provided, single submitter. Criteria: LMM Criteria. Collection method: clinical testing. Allele origin: germline. Observed: 1 variant allele.
Comment: The 1837+1G>T variant in FBN1 has not been previously identified by our laborato ry, but has been reported in a single individual with an unclassified fibrillino pathy (Stheneur 2009). Additionally, another variant (1837+1G>A) affecting the same splice site has been identified in a patient with clinical features of Marf an syndrome (Loeys 2004). This variant is located in the 5' splice donor region. Computational tools do suggest an impact to splicing; however, this information is not predictive enough to determine/rule out pathogenicity. In summary, this variant is likely pathogenic, though additional studies are required to fully e stablish its clinical significance.

Literature cited by the submitters: PubMed 19293843 (cited by 3 submitters); PubMed 20301510 (cited by Victorian Clinical Genetics Services, Murdoch Childrens Research Institute); PubMed 27274304 (cited by Victorian Clinical Genetics Services, Murdoch Childrens Research Institute); PubMed 29357934 (cited by Victorian Clinical Genetics Services, Murdoch Childrens Research Institute); PubMed 16199547 (cited by Labcorp Genetics (formerly Invitae), Labcorp); PubMed 17657824 (cited by Labcorp Genetics (formerly Invitae), Labcorp); PubMed 15241795 (cited by Labcorp Genetics (formerly Invitae), Labcorp and Laboratory for Molecular Medicine, Mass General Brigham Personalized Medicine).

NM_000138.5(FBN1):c.1837+1G>T

Gene: FBN1 (fibrillin 1; minus strand). Cytogenetic location: 15q21.1.
Variant type: single nucleotide variant.
Coding change: c.1837+1G>T on transcript NM_000138.5 (MANE Select); the canonical splice donor site of the intron after coding-DNA position 1837, G replaced by T.
Molecular consequence: splice donor variant.
Genome position (GRCh38, 1-based): chr15:48,508,581, C>A on the plus strand (G>T on the coding strand, the complement: FBN1 is on the minus strand). VCF-style: chr15-48508581-C-A. GRCh37 (hg19) VCF-style: chr15-48800778-C-A.
Other names: c.1837+1G>T (NM_001406716.1).
Identifiers: ClinVar variation 42292 (VCV000042292.9), dbSNP rs397515762, ClinGen allele CA012573.